The following is an entry in ClinVar:

NM_052947.4(ALPK2):c.4975G>A (p.Glu1659Lys)

Gene: ALPK2 (alpha kinase 2; minus strand). Cytogenetic location: 18q21.31.
Variant type: single nucleotide variant.
Coding change: c.4975G>A on transcript NM_052947.4 (MANE Select); coding-DNA position 4975, G replaced by A.
Protein change: p.Glu1659Lys; replaces glutamic acid 1659 with lysine.
Molecular consequence: missense variant.
Genome position (GRCh38, 1-based): chr18:58,535,212, C>T on the plus strand (G>A on the coding strand, the complement: ALPK2 is on the minus strand). VCF-style: chr18-58535212-C-T. GRCh37 (hg19) VCF-style: chr18-56202444-C-T.
Other names: short protein forms E1659K.
Identifiers: ClinVar variation 3530006 (VCV003530006.1).

ClinVar aggregate classification (germline): Uncertain significance (1 of 4 stars; one submission).

Submission:

Ambry Genetics
Classification: Uncertain significance. Last evaluated: 2024-08-25. Review status: criteria provided, single submitter. Criteria: Ambry Variant Classification Scheme 2023. Collection method: clinical testing. Allele origin: germline.
Comment: The p.E1659K variant (also known as c.4975G>A), located in coding exon 4 of the ALPK2 gene, results from a G to A substitution at nucleotide position 4975. The glutamic acid at codon 1659 is replaced by lysine, an amino acid with similar properties. This amino acid position is conserved. In addition, this alteration is predicted to be tolerated by in silico analysis. Based on the available evidence, the clinical significance of this variant remains unclear.